The following is an entry in ClinVar:

ClinVar aggregate classification (germline): Pathogenic/Likely pathogenic. Review status: criteria provided, multiple submitters, no conflicts (2 of 4 stars). 3 submissions from 3 submitters: Pathogenic (1); Likely pathogenic (2). Last evaluated 2024-02-08.

Conditions:
ABCA4-related disorder. Also called: ABCA4-related disorders; ABCA4-related condition. Identifiers: MedGen CN239167.
Retinal dystrophy. Also called: Inherited retinal dystrophy. Identifiers: Orphanet 71862, MedGen C0854723, MeSH D058499, MONDO:0019118, HP:0000556.

Allele frequency attached by ClinVar (database versions not stated): gnomAD exomes below 0.00001.
gnomAD v4.1: 5 of 1,613,984 alleles (0.00031%); highest among the groups gnomAD compares: Non-Finnish European, 0.00042%; no homozygotes.

Submissions (3):

Labcorp Genetics (formerly Invitae), Labcorp
Classification: Pathogenic. Last evaluated: 2024-02-08. Review status: criteria provided, single submitter. Criteria: Invitae Variant Classification Sherloc (09022015). Collection method: clinical testing. Allele origin: germline.
Comment: This sequence change replaces tyrosine, which is neutral and polar, with cysteine, which is neutral and slightly polar, at codon 1557 of the ABCA4 protein (p.Tyr1557Cys). This variant is present in population databases (no rsID available, gnomAD 0.0009%). This missense change has been observed in individual(s) with clinical features of Stargardt disease (PMID: 23143460, 30653986, 33301772; Invitae). In at least one individual the data is consistent with being in trans (on the opposite chromosome) from a pathogenic variant. ClinVar contains an entry for this variant (Variation ID: 1067804). An algorithm developed to predict the effect of missense changes on protein structure and function (PolyPhen-2) suggests that this variant is likely to be disruptive. For these reasons, this variant has been classified as Pathogenic.

Institute of Human Genetics, Univ. Regensburg, Univ. Regensburg
Classification: Likely pathogenic for Retinal dystrophy. Last evaluated: 2023-01-01. Review status: criteria provided, single submitter. Criteria: ACMG Guidelines, 2015. Collection method: clinical testing. Allele origin: germline. Affected: yes.

Blueprint Genetics
Classification: Likely pathogenic for ABCA4-related disorders. Last evaluated: 2020-02-26. Review status: criteria provided, single submitter. Criteria: ACMG Guidelines, 2015. Collection method: clinical testing. Allele origin: germline. Affected: yes. Observed: 2 variant alleles.

Literature cited by the submitters: PubMed 23143460 (cited by Labcorp Genetics (formerly Invitae), Labcorp); PubMed 30653986 (cited by Labcorp Genetics (formerly Invitae), Labcorp and Institute of Human Genetics, Univ. Regensburg, Univ. Regensburg); PubMed 33301772 (cited by Labcorp Genetics (formerly Invitae), Labcorp and Institute of Human Genetics, Univ. Regensburg, Univ. Regensburg); PubMed 21911583 (cited by Institute of Human Genetics, Univ. Regensburg, Univ. Regensburg); PubMed 31964843 (cited by Institute of Human Genetics, Univ. Regensburg, Univ. Regensburg); PubMed 34426522 (cited by Institute of Human Genetics, Univ. Regensburg, Univ. Regensburg).

NM_000350.3(ABCA4):c.4670A>G (p.Tyr1557Cys)

Gene: ABCA4 (ATP binding cassette subfamily A member 4; minus strand). Cytogenetic location: 1p22.1.
Variant type: single nucleotide variant.
Coding change: c.4670A>G on transcript NM_000350.3 (MANE Select); coding-DNA position 4670, A replaced by G.
Protein change: p.Tyr1557Cys; replaces tyrosine 1557 with cysteine.
Molecular consequence: missense variant.
Genome position (GRCh38, 1-based): chr1:94,021,949, T>C on the plus strand (A>G on the coding strand, the complement: ABCA4 is on the minus strand). VCF-style: chr1-94021949-T-C. GRCh37 (hg19) VCF-style: chr1-94487505-T-C.
Other names: c.4448A>G, p.Tyr1483Cys (NM_001425324.1); short protein forms Y1557C, Y1483C.
Identifiers: ClinVar variation 1067804 (VCV001067804.11), dbSNP rs1401716074, ClinGen allele CA341284080.
Genomic context (GRCh38, chr1:94,021,949, plus strand): 5'-ACAAGTGCTTCCCCCGTGATGGGGACGACTGGGAGCTTTCCTCCAATGGAAATTCCTCCA[T>C]ACCTGACAAGGAAACAGGAAATCCTCAGACCAGGGCCACGAACTTCACGCCTACTAGTAG-3'
Protein context (NP_000341.2, residues 1547-1567): KSKFWVNEQR[Tyr1557Cys]GGISIGGKLP